The following is an entry in ClinVar:

NM_003482.4(KMT2D):c.8156G>C (p.Ser2719Thr)

Gene: KMT2D (lysine methyltransferase 2D; minus strand). Cytogenetic location: 12q13.12.
Variant type: single nucleotide variant.
Coding change: c.8156G>C on transcript NM_003482.4 (MANE Select); coding-DNA position 8156, G replaced by C.
Protein change: p.Ser2719Thr; replaces serine 2719 with threonine.
Molecular consequence: missense variant.
Genome position (GRCh38, 1-based): chr12:49,039,508, C>G on the plus strand (G>C on the coding strand, the complement: KMT2D is on the minus strand). VCF-style: chr12-49039508-C-G. GRCh37 (hg19) VCF-style: chr12-49433291-C-G.
Other names: short protein forms S2719T.
Identifiers: ClinVar variation 1420295 (VCV001420295.16), dbSNP rs199913341, ClinGen allele CA6546905.

ClinVar aggregate classification (germline): Benign/Likely benign. Review status: criteria provided, multiple submitters, no conflicts (2 of 4 stars). 4 submissions from 4 submitters: Benign (2); Likely benign (2). Last evaluated 2026-01-26.

Conditions:
KMT2D-related disorder. Also called: KMT2D-Related Disorders.
Kabuki syndrome. Also called: Kabuki make-up syndrome; NIIKAWA-KUROKI SYNDROME. Identifiers: Orphanet 2322, MedGen C0796004, MONDO:0016512.

Allele frequency attached by ClinVar (database versions not stated): gnomAD exomes 0.00003 and 0.00007; ExAC 0.00004; gnomAD 0.00007; TOPMed 0.00007.
gnomAD v4.1: 110 of 1,611,910 alleles (0.0068%); highest among the groups gnomAD compares: Non-Finnish European, 0.0084%; no homozygotes.

Submissions (4):

Labcorp Genetics (formerly Invitae), Labcorp
Classification: Benign for Kabuki syndrome. Last evaluated: 2026-01-26. Review status: criteria provided, single submitter. Criteria: Invitae Variant Classification Sherloc (09022015). Collection method: clinical testing. Allele origin: germline.

CeGaT Center for Human Genetics Tuebingen
Classification: Likely benign. Last evaluated: 2025-03-01. Review status: criteria provided, single submitter. Criteria: CeGaT Center For Human Genetics Tuebingen Variant Classification Criteria Version 2. Collection method: clinical testing. Allele origin: germline. Affected: yes. Observed: 1 variant allele.
Comment: KMT2D: BP4, BS2

PreventionGenetics, part of Exact Sciences
Classification: Benign for KMT2D-related condition. Last evaluated: 2025-02-14. Review status: criteria provided, single submitter. Criteria: ACMG Guidelines, 2015. Collection method: clinical testing. Allele origin: germline.
Comment: This variant is classified as benign based on ACMG/AMP sequence variant interpretation guidelines (Richards et al. 2015 PMID: 25741868, with internal and published modifications).

Blueprint Genetics
Classification: Likely benign. Last evaluated: 2024-10-23. Review status: criteria provided, single submitter. Criteria: ACMG Guidelines, 2015. Collection method: clinical testing. Allele origin: germline.